The following is an entry in ClinVar:

ClinVar aggregate classification (germline): Uncertain significance (1 of 4 stars; one submission).

Submission:

Labcorp Genetics (formerly Invitae), Labcorp
Classification: Uncertain significance. Last evaluated: 2025-04-16. Review status: criteria provided, single submitter. Criteria: Invitae Variant Classification Sherloc (09022015). Collection method: clinical testing. Allele origin: germline.
Comment: This sequence change replaces methionine, which is neutral and non-polar, with leucine, which is neutral and non-polar, at codon 391 of the RECQL protein (p.Met391Leu). This variant is not present in population databases (gnomAD no frequency). This variant has not been reported in the literature in individuals affected with RECQL-related conditions. Invitae Evidence Modeling of protein sequence and biophysical properties (such as structural, functional, and spatial information, amino acid conservation, physicochemical variation, residue mobility, and thermodynamic stability) indicates that this missense variant is not expected to disrupt RECQL protein function with a negative predictive value of 80%. In summary, the available evidence is currently insufficient to determine the role of this variant in disease. Therefore, it has been classified as a Variant of Uncertain Significance.

NM_002907.4(RECQL):c.1171A>T (p.Met391Leu)

Gene: RECQL (RecQ like helicase; minus strand). Cytogenetic location: 12p12.1.
Variant type: single nucleotide variant.
Coding change: c.1171A>T on transcript NM_002907.4 (MANE Select); coding-DNA position 1171, A replaced by T.
Protein change: p.Met391Leu; replaces methionine 391 with leucine.
Molecular consequence: missense variant.
Genome position (GRCh38, 1-based): chr12:21,475,513, T>A on the plus strand (A>T on the coding strand, the complement: RECQL is on the minus strand). VCF-style: chr12-21475513-T-A. GRCh37 (hg19) VCF-style: chr12-21628447-T-A.
Other names: c.1171A>T, p.Met391Leu (NM_032941.3); short protein forms M391L.
Identifiers: ClinVar variation 4741681 (VCV004741681.1).